The following is an entry in ClinVar:

ClinVar aggregate classification (germline): Likely pathogenic (1 of 4 stars; one submission).

Conditions:
Glycine encephalopathy. Also called: Non-ketotic hyperglycinemia; Nonketotic hyperglycinemia. Identifiers: Orphanet 407, MedGen C0751748, MONDO:0011612, HP:0008288.

Allele frequency attached by ClinVar (database versions not stated): gnomAD exomes below 0.00001; TOPMed below 0.00001; gnomAD 0.00001.
gnomAD v4.1: 2 of 1,613,612 alleles (0.00012%); highest among the groups gnomAD compares: African/African-American, 0.0013%; no homozygotes.

Submission:

Labcorp Genetics (formerly Invitae), Labcorp
Classification: Likely pathogenic for Glycine encephalopathy. Last evaluated: 2024-02-06. Review status: criteria provided, single submitter. Criteria: Invitae Variant Classification Sherloc (09022015). Collection method: clinical testing. Allele origin: germline.
Comment: This sequence change affects a donor splice site in intron 3 of the AMT gene. It is expected to disrupt RNA splicing. Variants that disrupt the donor or acceptor splice site typically lead to a loss of protein function (PMID: 16199547), and loss-of-function variants in AMT are known to be pathogenic (PMID: 16450403). This variant is not present in population databases (gnomAD no frequency). Disruption of this splice site has been observed in individual(s) with glycine encephalopathy (Invitae). ClinVar contains an entry for this variant (Variation ID: 651361). Algorithms developed to predict the effect of sequence changes on RNA splicing suggest that this variant may disrupt the consensus splice site. In summary, the currently available evidence indicates that the variant is pathogenic, but additional data are needed to prove that conclusively. Therefore, this variant has been classified as Likely Pathogenic.

Literature cited by the submitters: PubMed 16199547; PubMed 16450403.

NM_000481.4(AMT):c.339+1G>A

Gene: AMT (aminomethyltransferase; minus strand). Cytogenetic location: 3p21.31.
Variant type: single nucleotide variant.
Coding change: c.339+1G>A on transcript NM_000481.4 (MANE Select); the canonical splice donor site of the intron after coding-DNA position 339, G replaced by A.
Molecular consequence: splice donor variant.
Genome position (GRCh38, 1-based): chr3:49,421,491, C>T on the plus strand (G>A on the coding strand, the complement: AMT is on the minus strand). VCF-style: chr3-49421491-C-T. GRCh37 (hg19) VCF-style: chr3-49458924-C-T.
Other names: c.171+1G>A (NM_001164711.2); c.339+1G>A (NM_001164710.2, NM_001164712.2).
Identifiers: ClinVar variation 651361 (VCV000651361.6), dbSNP rs1575308129, ClinGen allele CA352790816.